The following is an entry in ClinVar:

ClinVar aggregate classification (germline): Likely benign (1 of 4 stars; one submission).

Conditions:
ABCC8-related disorder.

gnomAD v4.1: 20 of 1,606,432 alleles (0.0012%); highest among the groups gnomAD compares: African/African-American, 0.0013%; no homozygotes.

Submission:

PreventionGenetics, part of Exact Sciences
Classification: Likely benign for ABCC8-related condition. Last evaluated: 2026-08-20. Review status: criteria provided, single submitter. Criteria: ACMG Guidelines, 2015. Collection method: clinical testing. Allele origin: germline.
Comment: This variant is classified as likely benign based on ACMG/AMP sequence variant interpretation guidelines (Richards et al. 2015 PMID: 25741868, with internal and published modifications).

NM_000352.6(ABCC8):c.823-5G>A

Gene: ABCC8 (ATP binding cassette subfamily C member 8; minus strand). Cytogenetic location: 11p15.1.
Variant type: single nucleotide variant.
Coding change: c.823-5G>A on transcript NM_000352.6 (MANE Select); 5 bases into the intron before coding-DNA position 823, G replaced by A.
Molecular consequence: intron variant.
Genome position (GRCh38, 1-based): chr11:17,460,681, C>T on the plus strand (G>A on the coding strand, the complement: ABCC8 is on the minus strand). VCF-style: chr11-17460681-C-T. GRCh37 (hg19) VCF-style: chr11-17482228-C-T.
Other names: c.820-5G>A (NM_001351297.2, NM_001351296.2); c.823-5G>A (NM_001351295.2, NM_001287174.3).
Identifiers: ClinVar variation 4997216 (VCV004997216.1).